The following is an entry in ClinVar:

ClinVar aggregate classification (germline): Pathogenic/Likely pathogenic. Review status: criteria provided, multiple submitters, no conflicts (2 of 4 stars). 7 submissions from 7 submitters: Pathogenic (3); Likely pathogenic (4). Last evaluated 2024-11-01.

Conditions:
MYO7A-related disorder. Also called: MYO7A-related disorders.
Rare genetic deafness. Identifiers: Orphanet 96210, MedGen C5680250.
Retinal dystrophy. Also called: Inherited retinal dystrophy. Identifiers: Orphanet 71862, MedGen C0854723, MeSH D058499, MONDO:0019118, HP:0000556.
Autosomal recessive nonsyndromic hearing loss 2. Also called: DEAFNESS, AUTOSOMAL RECESSIVE 2; NEUROSENSORY NONSYNDROMIC RECESSIVE DEAFNESS 2. Identifiers: Orphanet 90636, MedGen C1838701, MONDO:0010807, OMIM 600060.
Autosomal dominant nonsyndromic hearing loss 11. Identifiers: Orphanet 90635, MedGen C1832475, MONDO:0011032, OMIM 601317.
Usher syndrome type 1 (USH1). Also called: RETINITIS PIGMENTOSA AND CONGENITAL DEAFNESS. Identifiers: Orphanet 231169, Orphanet 886, MedGen C1568247, MONDO:0010168, OMIM 276900.
Usher syndrome type 1B (USH1B). Also called: Usher syndrome type IB. Identifiers: MedGen C1848638, MONDO:0700087.

Allele frequency attached by ClinVar (database versions not stated): TOPMed 0.00001.
gnomAD v4.1: 3 of 1,613,842 alleles (0.00019%); highest among the groups gnomAD compares: Admixed American, 0.0017%; no homozygotes.

Submissions (7):

Natera, Inc.
Classification: Likely pathogenic for Usher syndrome type 1B. Last evaluated: 2024-11-01. Review status: criteria provided, single submitter. Criteria: Natera Variant Classification Schema (03/2026). Collection method: clinical testing. Allele origin: germline.
Comment: The c.397C>T variant in MYO7A is a missense variant predicted to cause substitution of histidine to tyrosine at amino acid 133. This variant is rare in the general population with a frequency below the threshold expected for the associated phenotype(s). This variant has been observed in one or more individuals affected with the associated recessive disease, as either homozygous or compound heterozygous with a second variant (PMID: 33576163, 32483926, 28944237, 21436283). A different variant at the same position has been determined to be Pathogenic or Likely Pathogenic. Computational prediction algorithms indicate this variant is likely to affect gene or protein function. Given the available evidence, this variant is classified as Likely Pathogenic.

Genomic Medicine Center of Excellence, King Faisal Specialist Hospital and Research Centre
Classification: Pathogenic for Usher syndrome type 1. Last evaluated: 2024-03-17. Review status: criteria provided, single submitter. Criteria: ACMG Guidelines, 2015. Collection method: research. Allele origin: germline.

Fulgent Genetics
Classification: Likely pathogenic for Usher syndrome type 1; Autosomal recessive nonsyndromic hearing loss 2; Autosomal dominant nonsyndromic hearing loss 11. Last evaluated: 2024-02-08. Review status: criteria provided, single submitter. Criteria: ACMG Guidelines, 2015. Collection method: clinical testing. Allele origin: germline.

Labcorp Genetics (formerly Invitae), Labcorp
Classification: Pathogenic. Last evaluated: 2023-07-25. Review status: criteria provided, single submitter. Criteria: Invitae Variant Classification Sherloc (09022015). Collection method: clinical testing. Allele origin: germline.
Comment: For these reasons, this variant has been classified as Pathogenic. This variant disrupts the p.His133 amino acid residue in MYO7A. Other variant(s) that disrupt this residue have been determined to be pathogenic (PMID: 23770805). This suggests that this residue is clinically significant, and that variants that disrupt this residue are likely to be disease-causing. Advanced modeling of protein sequence and biophysical properties (such as structural, functional, and spatial information, amino acid conservation, physicochemical variation, residue mobility, and thermodynamic stability) performed at Invitae indicates that this missense variant is expected to disrupt MYO7A protein function. ClinVar contains an entry for this variant (Variation ID: 43228). This missense change has been observed in individual(s) with Usher syndrome (PMID: 20052763, 33576163). It has also been observed to segregate with disease in related individuals. This variant is not present in population databases (gnomAD no frequency). This sequence change replaces histidine, which is basic and polar, with tyrosine, which is neutral and polar, at codon 133 of the MYO7A protein (p.His133Tyr).

Blueprint Genetics
Classification: Likely pathogenic for MYO7A-related disorders. Last evaluated: 2021-06-10. Review status: criteria provided, single submitter. Criteria: ACMG Guidelines, 2015. Collection method: clinical testing. Allele origin: germline. Affected: yes. Observed: 1 variant allele.

Laboratory for Molecular Medicine, Mass General Brigham Personalized Medicine
Classification: Likely pathogenic for Rare genetic deafness. Last evaluated: 2013-11-18. Review status: criteria provided, single submitter. Criteria: LMM Criteria. Collection method: clinical testing. Allele origin: germline. Inheritance: Autosomal recessive inheritance. Observed: 3 variant alleles.
Comment: The His133Tyr variant in MYO7A has been reported in three individuals with Usher syndrome (Le Guedard-Mereuze 2010, Roux 2011, LMM unpublished data), and was no t identified in large population studies. All three individuals were compound he terozygous for a second pathogenic MYO7A variant. In addition, computational ana lyses (biochemical amino acid properties, conservation, AlignGVGD, PolyPhen2, an d SIFT) suggest that the variant may impact the protein. In summary, the His133T yr variant is likely to be pathogenic, though additional studies are required to fully establish its clinical significance.

Institute of Human Genetics, Univ. Regensburg, Univ. Regensburg
Classification: Pathogenic for Retinal dystrophy. Last evaluated: 2009-01-01. Review status: criteria provided, single submitter. Criteria: ACMG Guidelines, 2015. Collection method: clinical testing. Allele origin: germline. Affected: yes.

Literature cited by the submitters: PubMed 33576163 (cited by 3 submitters); PubMed 32483926 (cited by Natera, Inc. and Institute of Human Genetics, Univ. Regensburg, Univ. Regensburg); PubMed 28944237 (cited by Natera, Inc.); PubMed 21436283 (cited by Natera, Inc. and Laboratory for Molecular Medicine, Mass General Brigham Personalized Medicine); PubMed 23770805 (cited by Labcorp Genetics (formerly Invitae), Labcorp); PubMed 20052763 (cited by 3 submitters); PubMed 31589614 (cited by Institute of Human Genetics, Univ. Regensburg, Univ. Regensburg).

NM_000260.4(MYO7A):c.397C>T (p.His133Tyr)

Gene: MYO7A (myosin VIIA; plus strand). Cytogenetic location: 11q13.5.
Variant type: single nucleotide variant.
Coding change: c.397C>T on transcript NM_000260.4 (MANE Select); coding-DNA position 397, C replaced by T.
Protein change: p.His133Tyr; replaces histidine 133 with tyrosine.
Molecular consequence: missense variant.
Genome position (GRCh38, 1-based): chr11:77,156,018, C>T. VCF-style: chr11-77156018-C-T. GRCh37 (hg19) VCF-style: chr11-76867064-C-T.
Other names: c.397C>T, p.His133Tyr (NM_001127180.2); c.364C>T, p.His122Tyr (NM_001369365.1); short protein forms H133Y, H122Y.
Identifiers: ClinVar variation 43228 (VCV000043228.18), dbSNP rs111033403, ClinGen allele CA278660.